The following is an entry in ClinVar:

NM_000944.5(PPP3CA):c.113A>G (p.Asp38Gly)

Gene: PPP3CA (protein phosphatase 3 catalytic subunit alpha; minus strand). Cytogenetic location: 4q24.
Variant type: single nucleotide variant.
Coding change: c.113A>G on transcript NM_000944.5 (MANE Select); coding-DNA position 113, A replaced by G.
Protein change: p.Asp38Gly; replaces aspartic acid 38 with glycine.
Molecular consequence: missense variant.
Genome position (GRCh38, 1-based): chr4:101,196,062, T>C on the plus strand (A>G on the coding strand, the complement: PPP3CA is on the minus strand). VCF-style: chr4-101196062-T-C. GRCh37 (hg19) VCF-style: chr4-102117219-T-C.
Other names: c.113A>G, p.Asp38Gly (NM_001130691.2, NM_001130692.2); short protein forms D38G.
Identifiers: ClinVar variation 2635812 (VCV002635812.1), dbSNP rs1457318131, ClinGen allele CA357951033.

ClinVar aggregate classification (germline): Uncertain significance (1 of 4 stars; one submission).

Conditions:
PPP3CA-related disorder. Also called: PPP3CA-related condition; PPP3CA-related disorders.

Allele frequency attached by ClinVar (database versions not stated): TOPMed below 0.00001.

Submission:

PreventionGenetics, part of Exact Sciences
Classification: Uncertain significance for PPP3CA-related condition. Last evaluated: 2023-01-11. Review status: criteria provided, single submitter. Criteria: ACMG Guidelines, 2015. Collection method: clinical testing. Allele origin: germline.
Comment: The PPP3CA c.113A>G variant is predicted to result in the amino acid substitution p.Asp38Gly. To our knowledge, this variant has not been reported in the literature or in a large population database, indicating this variant is rare. At this time, the clinical significance of this variant is uncertain due to the absence of conclusive functional and genetic evidence.